The following is an entry in ClinVar:

ClinVar aggregate classification (germline): Pathogenic (1 of 4 stars; one submission).

Allele frequency attached by ClinVar (database versions not stated): gnomAD exomes below 0.00001.
gnomAD v4.1: 4 of 1,613,970 alleles (0.00025%); highest among the groups gnomAD compares: Non-Finnish European, 0.00017%; no homozygotes.

Submission:

Labcorp Genetics (formerly Invitae), Labcorp
Classification: Pathogenic. Last evaluated: 2023-10-31. Review status: criteria provided, single submitter. Criteria: Invitae Variant Classification Sherloc (09022015). Collection method: clinical testing. Allele origin: germline.
Comment: This sequence change creates a premature translational stop signal (p.Gln729*) in the TET2 gene. It is expected to result in an absent or disrupted protein product. Loss-of-function variants in TET2 are known to be pathogenic (PMID: 36066697). This variant is not present in population databases (gnomAD no frequency). This variant has not been reported in the literature in individuals affected with TET2-related conditions. For these reasons, this variant has been classified as Pathogenic.

Literature cited by the submitters: PubMed 36066697.

NM_001127208.3(TET2):c.2185C>T (p.Gln729Ter)

Genes: TET2 (tet methylcytosine dioxygenase 2; plus strand), TET2-AS1 (TET2 antisense RNA 1; minus strand). Cytogenetic location: 4q24.
Variant type: single nucleotide variant.
Coding change: c.2185C>T on transcript NM_001127208.3 (MANE Select); coding-DNA position 2185, C replaced by T.
Protein change: p.Gln729Ter; replaces glutamine 729 with a stop codon.
Molecular consequence: nonsense.
Genome position (GRCh38, 1-based): chr4:105,236,127, C>T. VCF-style: chr4-105236127-C-T. GRCh37 (hg19) VCF-style: chr4-106157284-C-T.
Other names: c.2185C>T, p.Gln729Ter (NM_017628.4); short protein forms Q729*.
Identifiers: ClinVar variation 2995016 (VCV002995016.3), dbSNP rs1323211736, ClinGen allele CA357798271.